The following is an entry in ClinVar:

ClinVar aggregate classification (germline): Uncertain significance. Review status: criteria provided, multiple submitters, no conflicts (2 of 4 stars). 3 submissions from 3 submitters: Uncertain significance (3). Last evaluated 2026-05-23.

Conditions:
Diabetes insipidus, nephrogenic, autosomal (NDI2). Also called: Nephrogenic Diabetes Insipidus, Type II; Diabetes insipidus, nephrogenic, 2, autosomal. Identifiers: Orphanet 223, MedGen C1563706, MONDO:0007451, OMIM 125800.
Inborn genetic diseases. Identifiers: MedGen C0950123, MeSH D030342.

Allele frequency attached by ClinVar (database versions not stated): gnomAD 0.00001.
gnomAD v4.1: 4 of 1,590,918 alleles (0.00025%); highest among the groups gnomAD compares: Admixed American, 0.0069%; no homozygotes.

Submissions (3):

Ambry Genetics
Classification: Uncertain significance for Inborn genetic diseases. Last evaluated: 2026-05-23. Review status: criteria provided, single submitter. Criteria: Ambry Variant Classification Scheme 2023. Collection method: clinical testing. Allele origin: germline.

Fulgent Genetics
Classification: Uncertain significance for Diabetes insipidus, nephrogenic, autosomal. Last evaluated: 2024-06-23. Review status: criteria provided, single submitter. Criteria: ACMG Guidelines, 2015. Collection method: clinical testing. Allele origin: germline.

Labcorp Genetics (formerly Invitae), Labcorp
Classification: Uncertain significance. Last evaluated: 2022-04-17. Review status: criteria provided, single submitter. Criteria: Invitae Variant Classification Sherloc (09022015). Collection method: clinical testing. Allele origin: germline.
Comment: This sequence change replaces histidine, which is basic and polar, with asparagine, which is neutral and polar, at codon 260 of the AQP2 protein (p.His260Asn). This variant is not present in population databases (gnomAD no frequency). This variant has not been reported in the literature in individuals affected with AQP2-related conditions. Advanced modeling of protein sequence and biophysical properties (such as structural, functional, and spatial information, amino acid conservation, physicochemical variation, residue mobility, and thermodynamic stability) performed at Invitae indicates that this missense variant is not expected to disrupt AQP2 protein function. In summary, the available evidence is currently insufficient to determine the role of this variant in disease. Therefore, it has been classified as a Variant of Uncertain Significance.

NM_000486.6(AQP2):c.778C>A (p.His260Asn)

Genes: AQP2 (aquaporin 2; plus strand), AQP5-AS1 (AQP5 and AQP2 antisense RNA 2; minus strand). Cytogenetic location: 12q13.12.
Variant type: single nucleotide variant.
Coding change: c.778C>A on transcript NM_000486.6 (MANE Select); coding-DNA position 778, C replaced by A.
Protein change: p.His260Asn; replaces histidine 260 with asparagine.
Molecular consequence: missense variant.
Genome position (GRCh38, 1-based): chr12:49,955,570, C>A. VCF-style: chr12-49955570-C-A. GRCh37 (hg19) VCF-style: chr12-50349353-C-A.
Other names: short protein forms H260N.
Identifiers: ClinVar variation 2421098 (VCV002421098.5), dbSNP rs1947362109, ClinGen allele CA384776157.